The following is an entry in ClinVar:

ClinVar aggregate classification (germline): Uncertain significance. Review status: criteria provided, multiple submitters, no conflicts (2 of 4 stars). 3 submissions from 3 submitters: Uncertain significance (3). Last evaluated 2025-08-13.

Conditions:
Hereditary cancer-predisposing syndrome. Also called: Hereditary neoplastic syndrome; Tumor predisposition; Neoplastic Syndromes, Hereditary; Hereditary Cancer Syndrome. Identifiers: Orphanet 140162, MedGen C0027672, MeSH D009386, MONDO:0015356.
Peutz-Jeghers syndrome (PJS). Also called: Peutz-Jeghers polyposis; Periorificial lentiginosis syndrome; POLYPOSIS, HAMARTOMATOUS INTESTINAL; POLYPS-AND-SPOTS SYNDROME. Identifiers: Orphanet 2869, MedGen C0031269, MeSH D010580, MONDO:0008280, OMIM 175200.

Allele frequency attached by ClinVar (database versions not stated): gnomAD exomes 0.00001; ExAC 0.00002; gnomAD 0.00003 and 0.00004.

Submissions (3):

Labcorp Genetics (formerly Invitae), Labcorp
Classification: Uncertain significance for Peutz-Jeghers syndrome. Last evaluated: 2025-08-13. Review status: criteria provided, single submitter. Criteria: Invitae Variant Classification Sherloc (09022015). Collection method: clinical testing. Allele origin: germline.
Comment: This sequence change replaces glutamine, which is neutral and polar, with arginine, which is basic and polar, at codon 123 of the STK11 protein (p.Gln123Arg). This variant is present in population databases (rs764449808, gnomAD 0.02%). This variant has not been reported in the literature in individuals affected with STK11-related conditions. This variant is also known as LKB1. ClinVar contains an entry for this variant (Variation ID: 376709). Invitae Evidence Modeling of protein sequence and biophysical properties (such as structural, functional, and spatial information, amino acid conservation, physicochemical variation, residue mobility, and thermodynamic stability) has been performed for this missense variant. However, the output from this modeling did not meet the statistical confidence thresholds required to predict the impact of this variant on STK11 protein function. Experimental studies have shown that this missense change does not substantially affect STK11 function (PMID: 19892943). In summary, the available evidence is currently insufficient to determine the role of this variant in disease. Therefore, it has been classified as a Variant of Uncertain Significance.

Ambry Genetics
Classification: Uncertain significance for Hereditary cancer-predisposing syndrome. Last evaluated: 2024-08-05. Review status: criteria provided, single submitter. Criteria: Ambry Variant Classification Scheme 2023. Collection method: clinical testing. Allele origin: germline.
Comment: The p.Q123R variant (also known as c.368A>G), located in coding exon 2 of the STK11 gene, results from an A to G substitution at nucleotide position 368. The glutamine at codon 123 is replaced by arginine, an amino acid with highly similar properties. Functional studies suggest this variant does not significantly disrupt STK11 function; however, additional evidence is needed to confirm these findings (Zeqiraj E et al. Science, 2009 Dec;326:1707-11). This amino acid position is highly conserved in available vertebrate species. In addition, the in silico prediction for this alteration is inconclusive. Based on the available evidence, the clinical significance of this variant remains unclear.

Color Diagnostics, LLC DBA Color Health
Classification: Uncertain significance for Hereditary cancer-predisposing syndrome. Last evaluated: 2020-12-04. Review status: criteria provided, single submitter. Criteria: ACMG Guidelines, 2015. Collection method: clinical testing. Allele origin: germline.
Comment: This missense variant replaces glutamine with arginine at codon 123 of the STK11 protein. Computational prediction is inconclusive regarding the impact of this variant on protein structure and function (internally defined REVEL score threshold 0.5 < inconclusive < 0.7, PMID: 27666373). To our knowledge, functional studies have not been reported for this variant. This variant has not been reported in individuals affected with hereditary cancer in the literature. This variant has been identified in 5/280426 chromosomes in the general population by the Genome Aggregation Database (gnomAD). The available evidence is insufficient to determine the role of this variant in disease conclusively. Therefore, this variant is classified as a Variant of Uncertain Significance.

Literature cited by the submitters: PubMed 19892943 (cited by Labcorp Genetics (formerly Invitae), Labcorp and Ambry Genetics).

NM_000455.5(STK11):c.368A>G (p.Gln123Arg)

Gene: STK11 (serine/threonine kinase 11; plus strand). Cytogenetic location: 19p13.3.
Variant type: single nucleotide variant.
Coding change: c.368A>G on transcript NM_000455.5 (MANE Select); coding-DNA position 368, A replaced by G.
Protein change: p.Gln123Arg; replaces glutamine 123 with arginine.
Molecular consequence: missense variant.
Genome position (GRCh38, 1-based): chr19:1,218,494, A>G. VCF-style: chr19-1218494-A-G. GRCh37 (hg19) VCF-style: chr19-1218493-A-G.
Other names: short protein forms Q123R.
Identifiers: ClinVar variation 376709 (VCV000376709.12), dbSNP rs764449808, ClinGen allele CA047202.